The following is an entry in ClinVar:

ClinVar aggregate classification (germline): Uncertain significance (1 of 4 stars; one submission).

Conditions:
Inborn genetic diseases. Identifiers: MedGen C0950123, MeSH D030342.

gnomAD v4.1: 6 of 1,614,106 alleles (0.00037%); highest among the groups gnomAD compares: African/African-American, 0.0067%; no homozygotes.

Submission:

Ambry Genetics
Classification: Uncertain significance for Inborn genetic diseases. Last evaluated: 2025-10-02. Review status: criteria provided, single submitter. Criteria: Ambry Variant Classification Scheme 2023. Collection method: clinical testing. Allele origin: germline.
Comment: The p.N522D variant (also known as c.1564A>G), located in coding exon 8 of the MECOM gene, results from an A to G substitution at nucleotide position 1564. The asparagine at codon 522 is replaced by aspartic acid, an amino acid with highly similar properties. This amino acid position is conserved. In addition, this alteration is predicted to be tolerated by in silico analysis. Based on the available evidence, the clinical significance of this variant remains unclear.

NM_004991.4(MECOM):c.1564A>G (p.Asn522Asp)

Gene: MECOM (MDS1 and EVI1 complex locus; minus strand). Cytogenetic location: 3q26.2.
Variant type: single nucleotide variant.
Coding change: c.1564A>G on transcript NM_004991.4 (MANE Select); coding-DNA position 1564, A replaced by G.
Protein change: p.Asn522Asp; replaces asparagine 522 with aspartic acid.
Molecular consequence: missense variant. On other transcripts: intron variant (2).
Genome position (GRCh38, 1-based): chr3:169,116,308, T>C on the plus strand (A>G on the coding strand, the complement: MECOM is on the minus strand). VCF-style: chr3-169116308-T-C. GRCh37 (hg19) VCF-style: chr3-168834096-T-C.
Other names: c.1195A>G, p.Asn399Asp (NM_001105077.4); c.1000A>G, p.Asn334Asp (NM_001105078.4, NM_001164000.2, NM_001205194.2 and 4 more transcripts); c.1003A>G, p.Asn335Asp (NM_001163999.2, NM_001366467.2, NM_001366468.2 and 1 more transcripts); c.1564A>G, p.Asn522Asp (NM_001366466.2); c.1133-541A>G (NM_001366473.2); c.569-541A>G (NM_001366474.2); short protein forms N335D, N522D, N334D, N399D.
Identifiers: ClinVar variation 4624620 (VCV004624620.1).